The following is an entry in ClinVar:

ClinVar aggregate classification (germline): Uncertain significance. Review status: criteria provided, multiple submitters, no conflicts (2 of 4 stars). 2 submissions from 2 submitters: Uncertain significance (2). Last evaluated 2025-04-03.

Conditions:
Hereditary cancer-predisposing syndrome. Also called: Hereditary Cancer Syndrome; Neoplastic Syndromes, Hereditary; Tumor predisposition; Hereditary neoplastic syndrome. Identifiers: Orphanet 140162, MedGen C0027672, MeSH D009386, MONDO:0015356.
Ataxia-telangiectasia syndrome (AT). Also called: Cerebello-oculocutaneous telangiectasia; Immunodeficiency with ataxia telangiectasia; Ataxia-telangiectasia, complementation group E; Ataxia-telangiectasia, complementation group D; AT, COMPLEMENTATION GROUP C; ATAXIA-TELANGIECTASIA, COMPLEMENTATION GROUP A. Identifiers: Orphanet 100, MedGen C0004135, MONDO:0008840, OMIM 208900.

Allele frequency attached by ClinVar (database versions not stated): gnomAD exomes below 0.00001; TOPMed below 0.00001.
gnomAD v4.1: 1 of 1,613,946 alleles (0.000062%); highest among the groups gnomAD compares: Non-Finnish European, 0.000085%; no homozygotes.

Submissions (2):

Ambry Genetics
Classification: Uncertain significance for Hereditary cancer-predisposing syndrome. Last evaluated: 2025-04-03. Review status: criteria provided, single submitter. Criteria: Ambry Variant Classification Scheme 2023. Collection method: clinical testing. Allele origin: germline.
Comment: The p.L2840S variant (also known as c.8519T>C), located in coding exon 57 of the ATM gene, results from a T to C substitution at nucleotide position 8519. The leucine at codon 2840 is replaced by serine, an amino acid with dissimilar properties. This amino acid position is conserved. In addition, this alteration is predicted to be tolerated by in silico analysis. Based on the available evidence, the clinical significance of this variant remains unclear.

Labcorp Genetics (formerly Invitae), Labcorp
Classification: Uncertain significance for Ataxia-telangiectasia syndrome. Last evaluated: 2021-08-27. Review status: criteria provided, single submitter. Criteria: Invitae Variant Classification Sherloc (09022015). Collection method: clinical testing. Allele origin: germline.
Comment: This sequence change replaces leucine with serine at codon 2840 of the ATM protein (p.Leu2840Ser). The leucine residue is moderately conserved and there is a large physicochemical difference between leucine and serine. This variant is not present in population databases (ExAC no frequency). This variant has not been reported in the literature in individuals affected with ATM-related conditions. Algorithms developed to predict the effect of missense changes on protein structure and function are either unavailable or do not agree on the potential impact of this missense change (SIFT: "Tolerated"; PolyPhen-2: "Possibly Damaging"; Align-GVGD: "Class C0"). In summary, the available evidence is currently insufficient to determine the role of this variant in disease. Therefore, it has been classified as a Variant of Uncertain Significance.

NM_000051.4(ATM):c.8519T>C (p.Leu2840Ser)

Genes: ATM (ATM serine/threonine kinase; plus strand), C11orf65 (chromosome 11 open reading frame 65; minus strand). Cytogenetic location: 11q22.3.
Variant type: single nucleotide variant.
Coding change: c.8519T>C on transcript NM_000051.4 (MANE Select); coding-DNA position 8519, T replaced by C.
Protein change: p.Leu2840Ser; replaces leucine 2840 with serine.
Molecular consequence: missense variant. On other transcripts: intron variant (2).
Genome position (GRCh38, 1-based): chr11:108,345,843, T>C. VCF-style: chr11-108345843-T-C. GRCh37 (hg19) VCF-style: chr11-108216570-T-C.
Other names: c.8519T>C, p.Leu2840Ser (NM_001351834.2); c.641-36772A>G (NM_001330368.2); c.695-10551A>G (NM_001351110.2); short protein forms L2840S.
Identifiers: ClinVar variation 573805 (VCV000573805.8), dbSNP rs947497737, ClinGen allele CA382518298.